The following is an entry in ClinVar:

NM_016123.4(IRAK4):c.949A>G (p.Ile317Val)

Gene: IRAK4 (interleukin 1 receptor associated kinase 4; plus strand). Cytogenetic location: 12q12.
Variant type: single nucleotide variant.
Coding change: c.949A>G on transcript NM_016123.4 (MANE Select); coding-DNA position 949, A replaced by G.
Protein change: p.Ile317Val; replaces isoleucine 317 with valine.
Molecular consequence: missense variant.
Genome position (GRCh38, 1-based): chr12:43,782,314, A>G. VCF-style: chr12-43782314-A-G. GRCh37 (hg19) VCF-style: chr12-44176117-A-G.
Other names: c.949A>G, p.Ile317Val (NM_001114182.3, NM_001351345.2); c.577A>G, p.Ile193Val (NM_001145256.2, NM_001145257.2, NM_001145258.2 and 5 more transcripts); c.340A>G, p.Ile114Val (NM_001351343.2, NM_001351344.2); short protein forms I114V, I317V, I193V.
Identifiers: ClinVar variation 1934815 (VCV001934815.4), dbSNP rs1278600353, ClinGen allele CA384476771.

ClinVar aggregate classification (germline): Uncertain significance (1 of 4 stars; one submission).

Conditions:
Immunodeficiency 67. Also called: Immunodeficiency due to interleukin-1 receptor-associated kinase-4 deficiency. Identifiers: Orphanet 70592, MedGen C1843256, MONDO:0011888, OMIM 607676.

Allele frequency attached by ClinVar (database versions not stated): gnomAD 0.00001; gnomAD exomes 0.00001.
gnomAD v4.1: 9 of 1,612,286 alleles (0.00056%); highest among the groups gnomAD compares: Non-Finnish European, 0.00068%; no homozygotes.

Submission:

Labcorp Genetics (formerly Invitae), Labcorp
Classification: Uncertain significance for Immunodeficiency 67. Last evaluated: 2024-10-02. Review status: criteria provided, single submitter. Criteria: Invitae Variant Classification Sherloc (09022015). Collection method: clinical testing. Allele origin: germline.
Comment: This sequence change replaces isoleucine, which is neutral and non-polar, with valine, which is neutral and non-polar, at codon 317 of the IRAK4 protein (p.Ile317Val). This variant is present in population databases (no rsID available, gnomAD 0.0009%). This variant has not been reported in the literature in individuals affected with IRAK4-related conditions. ClinVar contains an entry for this variant (Variation ID: 1934815). Invitae Evidence Modeling of protein sequence and biophysical properties (such as structural, functional, and spatial information, amino acid conservation, physicochemical variation, residue mobility, and thermodynamic stability) indicates that this missense variant is not expected to disrupt IRAK4 protein function with a negative predictive value of 80%. In summary, the available evidence is currently insufficient to determine the role of this variant in disease. Therefore, it has been classified as a Variant of Uncertain Significance.